The following is an entry in ClinVar:

ClinVar aggregate classification (germline): Benign/Likely benign. Review status: criteria provided, multiple submitters, no conflicts (2 of 4 stars). 6 submissions from 5 submitters: Benign (4); Likely benign (2). Last evaluated 2026-01-04.

Conditions:
Autosomal dominant familial hematuria-retinal arteriolar tortuosity-contractures syndrome. Also called: Hereditary Angiopathy with Nephropathy, Aneurysms, and Muscle Cramps (HANAC) Syndrome; Angiopathy, hereditary, with nephropathy, aneurysms, and muscle cramps. Identifiers: Orphanet 73229, MedGen C2673195, MONDO:0012726, OMIM 611773.
Brain small vessel disease 1 with or without ocular anomalies (BSVD1). Also called: BRAIN SMALL VESSEL DISEASE WITH HEMORRHAGE; PORENCEPHALY, TYPE 1, AUTOSOMAL DOMINANT; GOULD SYNDROME 1; Brain small vessel disease with or without ocular anomalies. Identifiers: Orphanet 2940, Orphanet 36383, Orphanet 99810, MedGen C4755307, MONDO:0008289, OMIM 175780.

Allele frequency attached by ClinVar (database versions not stated): ExAC 0.00056; gnomAD 0.00124; TOPMed 0.00143; ESP Exome Variant Server 0.00208; 1000 Genomes Project 0.00220; 1000 Genomes Project 30x 0.00250.
gnomAD v4.1: 474 of 1,609,528 alleles (0.029%); highest among the groups gnomAD compares: African/African-American, 0.49%; 1 homozygote.

Submissions (6):

Labcorp Genetics (formerly Invitae), Labcorp
Classification: Benign. Last evaluated: 2026-01-04. Review status: criteria provided, single submitter. Criteria: Invitae Variant Classification Sherloc (09022015). Collection method: clinical testing. Allele origin: germline.

Blueprint Genetics
Classification: Likely benign. Last evaluated: 2024-06-24. Review status: criteria provided, single submitter. Criteria: ACMG Guidelines, 2015. Collection method: clinical testing. Allele origin: germline.

CeGaT Center for Human Genetics Tuebingen
Classification: Likely benign. Last evaluated: 2023-09-01. Review status: criteria provided, single submitter. Criteria: CeGaT Center For Human Genetics Tuebingen Variant Classification Criteria Version 2. Collection method: clinical testing. Allele origin: germline. Affected: yes. Observed: 1 variant allele.
Comment: COL4A1: BP4, BS1

Illumina Laboratory Services, Illumina
Classification: Benign for Autosomal dominant familial hematuria-retinal arteriolar tortuosity-contractures syndrome. Last evaluated: 2018-01-13. Review status: criteria provided, single submitter. Criteria: ICSL Variant Classification Criteria 13 December 2019. Collection method: clinical testing. Allele origin: germline.
Comment: This variant was observed in the ICSL laboratory as part of a predisposition screen in an ostensibly healthy population. It had not been previously curated by ICSL or reported in the Human Gene Mutation Database (HGMD: prior to June 1st, 2018), and was therefore a candidate for classification through an automated scoring system. Utilizing variant allele frequency, disease prevalence and penetrance estimates, and inheritance mode, an automated score was calculated to assess if this variant is too frequent to cause the disease. Based on the score and internal cut-off values, a variant classified as benign is not then subjected to further curation. The score for this variant resulted in a classification of benign for this disease.

Illumina Laboratory Services, Illumina
Classification: Benign for Brain small vessel disease 1 with or without ocular anomalies. Last evaluated: 2018-01-13. Review status: criteria provided, single submitter. Criteria: ICSL Variant Classification Criteria 13 December 2019. Collection method: clinical testing. Allele origin: germline.
Comment: the same text as in the submission from Illumina Laboratory Services, Illumina above.

Athena Diagnostics
Classification: Benign. Last evaluated: 2016-11-23. Review status: criteria provided, single submitter. Criteria: Athena Diagnostics Criteria. Collection method: clinical testing. Allele origin: germline.

NM_001845.6(COL4A1):c.3877-8G>A

Gene: COL4A1 (collagen type IV alpha 1 chain; minus strand). Cytogenetic location: 13q34.
Variant type: single nucleotide variant.
Coding change: c.3877-8G>A on transcript NM_001845.6 (MANE Select); 8 bases into the intron before coding-DNA position 3877, G replaced by A.
Molecular consequence: intron variant.
Genome position (GRCh38, 1-based): chr13:110,167,238, C>T on the plus strand (G>A on the coding strand, the complement: COL4A1 is on the minus strand). VCF-style: chr13-110167238-C-T. GRCh37 (hg19) VCF-style: chr13-110819585-C-T.
Identifiers: ClinVar variation 311034 (VCV000311034.42), dbSNP rs370539477, ClinGen allele CA7047104.